The following is an entry in ClinVar:

NM_001130004.2(ACTN1):c.2140C>A (p.Arg714Ser)

Gene: ACTN1 (actinin alpha 1; minus strand). Cytogenetic location: 14q24.1.
Variant type: single nucleotide variant.
Coding change: c.2140C>A on transcript NM_001130004.2 (MANE Select); coding-DNA position 2140, C replaced by A.
Protein change: p.Arg714Ser; replaces arginine 714 with serine.
Molecular consequence: missense variant.
Genome position (GRCh38, 1-based): chr14:68,880,102, G>T on the plus strand (C>A on the coding strand, the complement: ACTN1 is on the minus strand). VCF-style: chr14-68880102-G-T. GRCh37 (hg19) VCF-style: chr14-69346819-G-T.
Other names: c.2140C>A, p.Arg714Ser (NM_001102.4, NM_001130005.2, NM_001424012.1 and 2 more transcripts); c.2164C>A, p.Arg722Ser (NM_001411035.1, NM_001424016.1); c.1945C>A, p.Arg649Ser (NM_001411036.1, NM_001424026.1, NM_001424028.1); c.2266C>A, p.Arg756Ser (NM_001424013.1); c.2227C>A, p.Arg743Ser (NM_001424015.1); c.2137C>A, p.Arg713Ser (NM_001424017.1); c.2101C>A, p.Arg701Ser (NM_001424018.1); c.1957C>A, p.Arg653Ser (NM_001424019.1, NM_001424024.1, NM_001424025.1 and 2 more transcripts); and 3 more; short protein forms R693S, R653S, R701S, R743S, R756S, R439S, R649S, R713S.
Identifiers: ClinVar variation 4740703 (VCV004740703.1).

ClinVar aggregate classification (germline): Uncertain significance (1 of 4 stars; one submission).

Submission:

Labcorp Genetics (formerly Invitae), Labcorp
Classification: Uncertain significance. Last evaluated: 2025-10-09. Review status: criteria provided, single submitter. Criteria: Invitae Variant Classification Sherloc (09022015). Collection method: clinical testing. Allele origin: germline.
Comment: This sequence change replaces arginine, which is basic and polar, with serine, which is neutral and polar, at codon 714 of the ACTN1 protein (p.Arg714Ser). This variant is not present in population databases (gnomAD no frequency). This variant has not been reported in the literature in individuals affected with ACTN1-related conditions. Invitae Evidence Modeling of protein sequence and biophysical properties (such as structural, functional, and spatial information, amino acid conservation, physicochemical variation, residue mobility, and thermodynamic stability) has been performed for this missense variant. However, the output from this modeling did not meet the statistical confidence thresholds required to predict the impact of this variant on ACTN1 protein function. In summary, the available evidence is currently insufficient to determine the role of this variant in disease. Therefore, it has been classified as a Variant of Uncertain Significance.